The following continues an entry in ClinVar:

NM_000277.3(PAH):c.842+1G>A

Gene: PAH. ClinVar aggregate classification (germline): Pathogenic. Pathogenic (1).

Submissions 12 to 22 of 22:

Laboratory for Molecular Medicine, Mass General Brigham Personalized Medicine
Classification: Pathogenic for Phenylketonuria. Last evaluated: 2022-11-03. Review status: criteria provided, single submitter. Criteria: ACMG Guidelines, 2015. Collection method: clinical testing. Allele origin: germline. Not counted in ClinVar's aggregate classification.
Comment: The c.842+1G>A in PAH has been reported in at least 6 homozygous and over 50 compound heterozygous individuals affected with Hyperphenylalaninemia or Phenylketonuria (selected publications: Hillert 2020 PMID: 32668217). This variant was classified as Pathogenic on August 13, 2018 by the ClinGen-approved ClinGen PAH Variant Curation Expert Panel (Variation ID 599) and was identified in 5/68040 European and in 1/10608 Finnish chromosomes by gnomAD. This variant occurs within the canonical splice site (+/- 1,2) and is predicted to cause altered splicing leading to an abnormal or absent protein. Loss of function of the PAH gene is an established disease mechanism in autosomal recessive Phenylketonuria. In summary, this variant meets criteria to be classified as pathogenic for autosomal recessive hyperphenylalanemia/phenylkenonuria. ACMG/AMP Criteria applied: PM2_Supporting, PVS1, PM3_Very Strong.

GeneDx
Classification: Pathogenic. Last evaluated: 2021-01-05. Review status: criteria provided, single submitter. Criteria: GeneDx Variant Classification Process June 2021. Collection method: clinical testing. Allele origin: germline. Affected: yes. Not counted in ClinVar's aggregate classification.
Comment: Canonical splice site variant predicted to result in a null allele in a gene for which loss-of-function is a known mechanism of disease; Not observed at a significant frequency in large population cohorts (Lek et al., 2016); This variant is associated with the following publications: (PMID: 32668217, 31589614, 30747360, 26666653, 25525159, 23764561, 20188615, 16256386, 24941924, 26589311, 20920871, 1671810, 17935162)

Women's Health and Genetics/Laboratory Corporation of America, LabCorp
Classification: Pathogenic for Phenylketonuria. Last evaluated: 2020-12-14. Review status: criteria provided, single submitter. Criteria: LabCorp Variant Classification Summary - May 2015. Collection method: clinical testing. Allele origin: germline. Not counted in ClinVar's aggregate classification.
Comment: Variant summary: PAH c.842+1G>A is located in a canonical splice-site and is predicted to affect mRNA splicing resulting in a significantly altered protein due to either exon skipping, shortening, or inclusion of intronic material. Several computational tools predict a significant impact on normal splicing: Four predict the variant abolishes a 5 splicing donor site. However, these predictions have yet to be confirmed by functional studies. The variant allele was found at a frequency of 4.4e-05 in 251272 control chromosomes (gnomAD). This frequency is not significantly higher than expected for a pathogenic variant in PAH causing Phenylalanine Hydroxylase Deficiency (Phenylketonuria) (4.4e-05 vs 0.0079), allowing no conclusion about variant significance. c.842+1G>A has been reported in the literature in multiple individuals affected with Phenylalanine Hydroxylase Deficiency (Phenylketonuria; Example: Dianzani_1991, Leuzzi_2006, Aldamiz-Echevarria_2016, Li_2018). These data indicate that the variant is very likely to be associated with disease. To our knowledge, no experimental evidence demonstrating an impact on protein function has been reported. Six other ClinVar submitters (evaluation after 2014) including an expert panel (ClinGen PAH Variant Curation Expert Panel) cite the variant as likely pathogenic/pathogenic. Based on the evidence outlined above, the variant was classified as pathogenic.

Elsea Laboratory, Baylor College of Medicine
Classification: Pathogenic for Phenylketonuria. Last evaluated: 2020-04-01. Review status: criteria provided, single submitter. Criteria: ACMG Guidelines, 2015. Collection method: clinical testing. Allele origin: maternal. Affected: yes. Not counted in ClinVar's aggregate classification.

Equipe Genetique des Anomalies du Developpement, Université de Bourgogne
Classification: Likely pathogenic for Phenylketonuria. Last evaluated: 2017-08-16. Review status: criteria provided, single submitter. Criteria: ACMG Guidelines, 2015. Collection method: clinical testing. Allele origin: unknown. Affected: yes. Study: Clinvar_gadteam_Clinical_exome_analysis_3. Not counted in ClinVar's aggregate classification.

Juno Genomics, Hangzhou Juno Genomics, Inc
Classification: Pathogenic for Phenylketonuria. Review status: criteria provided, single submitter. Criteria: ACMG Guidelines, 2015. Collection method: clinical testing. Allele origin: germline. Affected: yes. Not counted in ClinVar's aggregate classification.
Comment: Absent from controls (or at extremely low frequency if recessive) in Genome Aggregation Database.;Null variant in a gene where loss of function (LOF) is a known mechanism of disease.;For recessive disorders, detected in trans with a pathogenic variant.;Patient's phenotype or family history is highly specific for a disease with a single genetic etiology.

Counsyl
Classification: Likely pathogenic for Phenylketonuria. Last evaluated: 2015-01-16. Review status: no assertion criteria provided. Collection method: literature only. Allele origin: unknown. Inheritance: Autosomal recessive inheritance. Not counted in ClinVar's aggregate classification.

OMIM
Classification: Pathogenic for PHENYLKETONURIA. Last evaluated: 1991-03-01. Review status: no assertion criteria provided. Collection method: literature only. Allele origin: germline. Not counted in ClinVar's aggregate classification.

DeBelle Laboratory for Biochemical Genetics, MUHC/MCH RESEARCH INSTITUTE
No classification provided. Review status: no classification provided. Collection method: not provided. Allele origin: not provided. Not counted in ClinVar's aggregate classification.

Genome Diagnostics Laboratory, University Medical Center Utrecht
Classification: Pathogenic. Review status: no assertion criteria provided. Collection method: clinical testing. Allele origin: germline. Affected: yes. Study: VKGL Data-share Consensus. Not counted in ClinVar's aggregate classification.

Joint Genome Diagnostic Labs from Nijmegen and Maastricht, Radboudumc and MUMC+
Classification: Likely pathogenic. Review status: no assertion criteria provided. Collection method: clinical testing. Allele origin: germline. Affected: yes. Study: VKGL Data-share Consensus. Not counted in ClinVar's aggregate classification.

Literature cited by the submitters: PubMed 20188615 (cited by 5 submitters); PubMed 24941924 (cited by 4 submitters); PubMed 1671810 (cited by 6 submitters); PubMed 10394930 (cited by 4 submitters); PubMed 23764561 (cited by 5 submitters); PubMed 30311390 (cited by OLLIN Analises Genomicas, OLLIN); PubMed 32668217 (cited by OLLIN Analises Genomicas, OLLIN); PubMed 16199547 (cited by Labcorp Genetics (formerly Invitae), Labcorp); PubMed 1301187 (cited by Labcorp Genetics (formerly Invitae), Labcorp); PubMed 9634518 (cited by Labcorp Genetics (formerly Invitae), Labcorp); PubMed 16256386 (cited by 3 submitters); PubMed 19444284 (cited by Quest Diagnostics Nichols Institute San Juan Capistrano and Counsyl); PubMed 19609714 (cited by Quest Diagnostics Nichols Institute San Juan Capistrano and Counsyl); PubMed 20920871 (cited by Quest Diagnostics Nichols Institute San Juan Capistrano and Counsyl); PubMed 23430918 (cited by Quest Diagnostics Nichols Institute San Juan Capistrano and Counsyl); PubMed 23856132 (cited by Quest Diagnostics Nichols Institute San Juan Capistrano and Counsyl); PubMed 23932990 (cited by Quest Diagnostics Nichols Institute San Juan Capistrano and Counsyl); PubMed 27121329 (cited by Quest Diagnostics Nichols Institute San Juan Capistrano and Women's Health and Genetics/Laboratory Corporation of America, LabCorp); PubMed 30050108 (cited by Quest Diagnostics Nichols Institute San Juan Capistrano and Women's Health and Genetics/Laboratory Corporation of America, LabCorp); PubMed 33465300 (cited by Quest Diagnostics Nichols Institute San Juan Capistrano); PubMed 36755623 (cited by Quest Diagnostics Nichols Institute San Juan Capistrano); PubMed 33375644 (cited by Quest Diagnostics Nichols Institute San Juan Capistrano); PubMed 34828281 (cited by Quest Diagnostics Nichols Institute San Juan Capistrano); PubMed 30747360 (cited by Quest Diagnostics Nichols Institute San Juan Capistrano); PubMed 36845377 (cited by Quest Diagnostics Nichols Institute San Juan Capistrano); PubMed 38105685 (cited by Quest Diagnostics Nichols Institute San Juan Capistrano); PubMed 12655553 (cited by Quest Diagnostics Nichols Institute San Juan Capistrano and Counsyl); PubMed 12649065 (cited by Quest Diagnostics Nichols Institute San Juan Capistrano and Counsyl); PubMed 16198137 (cited by Quest Diagnostics Nichols Institute San Juan Capistrano and Counsyl); PubMed 16601866 (cited by 3 submitters); PubMed 17096675 (cited by Quest Diagnostics Nichols Institute San Juan Capistrano and Counsyl); PubMed 24350308 (cited by Counsyl).